The following is an entry in ClinVar:

NM_004357.5(CD151):c.343T>C (p.Tyr115His)

Gene: CD151 (CD151 molecule (Raph blood group); plus strand). Cytogenetic location: 11p15.5.
Variant type: single nucleotide variant.
Coding change: c.343T>C on transcript NM_004357.5 (MANE Select); coding-DNA position 343, T replaced by C.
Protein change: p.Tyr115His; replaces tyrosine 115 with histidine.
Molecular consequence: missense variant.
Genome position (GRCh38, 1-based): chr11:836,835, T>C. VCF-style: chr11-836835-T-C. GRCh37 (hg19) VCF-style: chr11-836835-T-C.
Other names: c.343T>C, p.Tyr115His (NM_001039490.2, NM_139029.2, NM_139030.4); short protein forms Y115H.
Identifiers: ClinVar variation 1943416 (VCV001943416.5), dbSNP rs1267651644, ClinGen allele CA378994420.

ClinVar aggregate classification (germline): Uncertain significance (1 of 4 stars; one submission).

Allele frequency attached by ClinVar (database versions not stated): gnomAD 0.00001; gnomAD exomes 0.00001; TOPMed 0.00002.
gnomAD v4.1: 9 of 1,612,468 alleles (0.00056%); highest among the groups gnomAD compares: East Asian, 0.0022%; no homozygotes.

Submission:

Labcorp Genetics (formerly Invitae), Labcorp
Classification: Uncertain significance. Last evaluated: 2021-12-27. Review status: criteria provided, single submitter. Criteria: Invitae Variant Classification Sherloc (09022015). Collection method: clinical testing. Allele origin: germline.
Comment: This variant has not been reported in the literature in individuals affected with CD151-related conditions. This variant is present in population databases (no rsID available, gnomAD 0.0009%). Algorithms developed to predict the effect of missense changes on protein structure and function are either unavailable or do not agree on the potential impact of this missense change (SIFT: "Deleterious"; PolyPhen-2: "Benign"; Align-GVGD: "Class C65"). In summary, the available evidence is currently insufficient to determine the role of this variant in disease. Therefore, it has been classified as a Variant of Uncertain Significance. This sequence change replaces tyrosine, which is neutral and polar, with histidine, which is basic and polar, at codon 115 of the CD151 protein (p.Tyr115His).